The following is an entry in ClinVar:

NM_139057.4(ADAMTS17):c.673G>A (p.Ala225Thr)

Gene: ADAMTS17 (ADAM metallopeptidase with thrombospondin type 1 motif 17; minus strand). Cytogenetic location: 15q26.3.
Variant type: single nucleotide variant.
Coding change: c.673G>A on transcript NM_139057.4 (MANE Select); coding-DNA position 673, G replaced by A.
Protein change: p.Ala225Thr; replaces alanine 225 with threonine.
Molecular consequence: missense variant.
Genome position (GRCh38, 1-based): chr15:100,281,345, C>T on the plus strand (G>A on the coding strand, the complement: ADAMTS17 is on the minus strand). VCF-style: chr15-100281345-C-T. GRCh37 (hg19) VCF-style: chr15-100821550-C-T.
Other names: short protein forms A225T.
Identifiers: ClinVar variation 2057466 (VCV002057466.2), dbSNP rs1206044827, ClinGen allele CA7758618.

ClinVar aggregate classification (germline): Uncertain significance (1 of 4 stars; one submission).

Allele frequency attached by ClinVar (database versions not stated): gnomAD exomes 0.00001; ExAC 0.00002; gnomAD 0.00002; TOPMed 0.00003.
gnomAD v4.1: 21 of 1,610,580 alleles (0.0013%); highest among the groups gnomAD compares: East Asian, 0.0089%; no homozygotes.

Submission:

Labcorp Genetics (formerly Invitae), Labcorp
Classification: Uncertain significance. Last evaluated: 2022-03-08. Review status: criteria provided, single submitter. Criteria: Invitae Variant Classification Sherloc (09022015). Collection method: clinical testing. Allele origin: germline.
Comment: In summary, the available evidence is currently insufficient to determine the role of this variant in disease. Therefore, it has been classified as a Variant of Uncertain Significance. Algorithms developed to predict the effect of missense changes on protein structure and function are either unavailable or do not agree on the potential impact of this missense change (SIFT: "Not Available"; PolyPhen-2: "Probably Damaging"; Align-GVGD: "Not Available"). This variant has not been reported in the literature in individuals affected with ADAMTS17-related conditions. This variant is present in population databases (no rsID available, gnomAD 0.02%). This sequence change replaces alanine, which is neutral and non-polar, with threonine, which is neutral and polar, at codon 225 of the ADAMTS17 protein (p.Ala225Thr).